The following is an entry in ClinVar:

ClinVar aggregate classification (germline): Uncertain significance (1 of 4 stars; one submission).

Submission:

Women's Health and Genetics/Laboratory Corporation of America, LabCorp
Classification: Uncertain significance. Last evaluated: 2026-03-31. Review status: criteria provided, single submitter. Criteria: LabCorp Variant Classification Summary - May 2015. Collection method: clinical testing. Allele origin: germline.
Comment: Variant summary: IGHMBP2 c.639T>A (p.His213Gln) results in a non-conservative amino acid change in the encoded protein sequence. Algorithms developed to predict the effect of missense changes on protein structure and function are either unavailable or do not agree on the potential impact of this missense change. The variant was absent in 251490 control chromosomes. The available data on variant occurrences in the general population are insufficient to allow any conclusion about variant significance. To our knowledge, no occurrence of c.639T>A in individuals affected with IGHMBP2-related conditions and no experimental evidence demonstrating its impact on protein function have been reported. No submitters have cited clinical-significance assessments for this variant to ClinVar. Based on the evidence outlined above, the variant was classified as uncertain significance.

NM_002180.3(IGHMBP2):c.639T>A (p.His213Gln)

Gene: IGHMBP2 (immunoglobulin mu DNA binding protein 2; plus strand). Cytogenetic location: 11q13.3.
Variant type: single nucleotide variant.
Coding change: c.639T>A on transcript NM_002180.3 (MANE Select); coding-DNA position 639, T replaced by A.
Protein change: p.His213Gln; replaces histidine 213 with glutamine.
Molecular consequence: missense variant.
Genome position (GRCh38, 1-based): chr11:68,911,531, T>A. VCF-style: chr11-68911531-T-A. GRCh37 (hg19) VCF-style: chr11-68678999-T-A.
Other names: short protein forms H213Q.
Identifiers: ClinVar variation 4847764 (VCV004847764.1).